The following is an entry in ClinVar:

NM_001374736.1(DST):c.19896+4C>T

Gene: DST (dystonin; minus strand). Cytogenetic location: 6p12.1.
Variant type: single nucleotide variant.
Coding change: c.19896+4C>T on transcript NM_001374736.1 (MANE Select); 4 bases into the intron after coding-DNA position 19896, C replaced by T.
Molecular consequence: intron variant.
Genome position (GRCh38, 1-based): chr6:56,501,076, G>A on the plus strand (C>T on the coding strand, the complement: DST is on the minus strand). VCF-style: chr6-56501076-G-A. GRCh37 (hg19) VCF-style: chr6-56365874-G-A.
Other names: c.13539+4C>T (NM_001144769.5); c.19896+4C>T (NM_001374722.1); c.19923+4C>T (NM_001374734.1); c.13125+4C>T (NM_001144770.2); c.12678+4C>T (NM_001374730.1); c.13005+4C>T (NM_001386100.1, NM_183380.4); c.18936+4C>T (NM_001374729.1); c.12027+4C>T (NM_015548.5).
Identifiers: ClinVar variation 1011449 (VCV001011449.7), dbSNP rs368685568, ClinGen allele CA3866895.
Genomic context (GRCh38, chr6:56,501,076, plus strand): 5'-AAGAAATCTGATGACACTAGAAATGGACAGAGAAGAAACATAACATGCATTAACAGCTAC[G>A]TACATGATGCTTGGCAAGTTCAATTTCAATGGCTTTAGGGTCTCCTCCAACAGGTTTCTG-3'

ClinVar aggregate classification (germline): Uncertain significance. Review status: criteria provided, multiple submitters, no conflicts (2 of 4 stars). 2 submissions from 2 submitters: Uncertain significance (2). Last evaluated 2024-06-12.

Conditions:
Inborn genetic diseases. Identifiers: MedGen C0950123, MeSH D030342.
Epidermolysis bullosa simplex 3, localized or generalized intermediate, with BP230 deficiency (EBS3). Also called: Epidermolysis bullosa simplex due to BP230 deficiency; Epidermolysis bullosa simplex, autosomal recessive 2. Identifiers: Orphanet 412181, MedGen C3809470, MONDO:0014180, OMIM 615425.
Hereditary sensory and autonomic neuropathy type 6. Also called: HSAN VI; Neuropathy, hereditary sensory and autonomic, type VI. Identifiers: Orphanet 314381, MedGen C3539003, MONDO:0013839, OMIM 614653.

Allele frequency attached by ClinVar (database versions not stated): gnomAD 0.00003; gnomAD exomes 0.00004 and 0.00006; TOPMed 0.00004; ExAC 0.00005; ESP Exome Variant Server 0.00016.
gnomAD v4.1: 83 of 1,611,608 alleles (0.0052%); highest among the groups gnomAD compares: Non-Finnish European, 0.0068%; no homozygotes.

Submissions (2):

Labcorp Genetics (formerly Invitae), Labcorp
Classification: Uncertain significance for Epidermolysis bullosa simplex 3, localized or generalized intermediate, with BP230 deficiency; Hereditary sensory and autonomic neuropathy type 6. Last evaluated: 2024-06-12. Review status: criteria provided, single submitter. Criteria: Invitae Variant Classification Sherloc (09022015). Collection method: clinical testing. Allele origin: germline.
Comment: The DST gene has multiple clinically relevant transcripts. This variant occurs in alternate transcript NM_015548.4, and corresponds to NM_001723.5:c.*114441C>T in the primary transcript. This sequence change falls in intron 61 of the DST gene. It does not directly change the encoded amino acid sequence of the DST protein. It affects a nucleotide within the consensus splice site. This variant is present in population databases (rs368685568, gnomAD 0.008%). This variant has not been reported in the literature in individuals affected with DST-related conditions. Variants that disrupt the consensus splice site are a relatively common cause of aberrant splicing (PMID: 17576681, 9536098). Experimental studies and prediction algorithms are not available or were not evaluated, and the effect of this variant on mRNA splicing is currently unknown. In summary, the available evidence is currently insufficient to determine the role of this variant in disease. Therefore, it has been classified as a Variant of Uncertain Significance.

Ambry Genetics
Classification: Uncertain significance for Inborn genetic diseases. Last evaluated: 2022-10-05. Review status: criteria provided, single submitter. Criteria: Ambry Variant Classification Scheme 2023. Collection method: clinical testing. Allele origin: germline.
Comment: The c.13539+4C>T intronic variant results from a C to T substitution 4 nucleotides after coding exon 74 in the DST gene. This nucleotide position is poorly conserved in available vertebrate species. In silico splice site analysis predicts that this alteration will not have any significant effect on splicing. Since supporting evidence is limited at this time, the clinical significance of this alteration remains unclear.

Literature cited by the submitters: PubMed 17576681 (cited by Labcorp Genetics (formerly Invitae), Labcorp); PubMed 9536098 (cited by Labcorp Genetics (formerly Invitae), Labcorp).